The following is an entry in ClinVar:

NM_000539.3(RHO):c.799C>G (p.Pro267Ala)

Gene: RHO (rhodopsin; plus strand). Cytogenetic location: 3q22.1.
Variant type: single nucleotide variant.
Coding change: c.799C>G on transcript NM_000539.3 (MANE Select); coding-DNA position 799, C replaced by G.
Protein change: p.Pro267Ala; replaces proline 267 with alanine.
Molecular consequence: missense variant.
Genome position (GRCh38, 1-based): chr3:129,532,635, C>G. VCF-style: chr3-129532635-C-G. GRCh37 (hg19) VCF-style: chr3-129251478-C-G.
Other names: short protein forms P267A.
Identifiers: ClinVar variation 4882183 (VCV004882183.2).

ClinVar aggregate classification (germline): Uncertain significance (1 of 4 stars; one submission).

Submission:

Dasa
Classification: Uncertain significance. Last evaluated: 2025-11-10. Review status: criteria provided, single submitter. Criteria: DASA Assertion Criteria. Collection method: clinical testing. Allele origin: germline.
Comment: NM_000539.3(RHO):c.799C>G (p.Pro267Ala) is a missense variant that results in the substitution of proline with alanine. The affected residue or protein region has prior evidence supporting clinical relevance. This variant is absent from population databases. Computational prediction algorithms are consistent with a deleterious effect. The currently available literature and clinical evidence are not sufficient to establish a definitive association between this variant and the reported condition. Therefore, this variant is classified as a variant of uncertain significance.